The following is an entry in ClinVar:

NM_000135.4(FANCA):c.857A>C (p.Gln286Pro)

Gene: FANCA (FA complementation group A; minus strand). Cytogenetic location: 16q24.3.
Variant type: single nucleotide variant.
Coding change: c.857A>C on transcript NM_000135.4 (MANE Select); coding-DNA position 857, A replaced by C.
Protein change: p.Gln286Pro; replaces glutamine 286 with proline.
Molecular consequence: missense variant.
Genome position (GRCh38, 1-based): chr16:89,799,202, T>G on the plus strand (A>C on the coding strand, the complement: FANCA is on the minus strand). VCF-style: chr16-89799202-T-G. GRCh37 (hg19) VCF-style: chr16-89865610-T-G.
Other names: c.857A>C, p.Gln286Pro (NM_001018112.3, NM_001286167.3); c.761A>C, p.Gln254Pro (NM_001351830.2); short protein forms Q254P, Q286P.
Identifiers: ClinVar variation 4254331 (VCV004254331.1).

ClinVar aggregate classification (germline): Uncertain significance (1 of 4 stars; one submission).

Conditions:
Inborn genetic diseases. Identifiers: MedGen C0950123, MeSH D030342.

Submission:

Ambry Genetics
Classification: Uncertain significance for Inborn genetic diseases. Last evaluated: 2025-09-04. Review status: criteria provided, single submitter. Criteria: Ambry Variant Classification Scheme 2023. Collection method: clinical testing. Allele origin: germline.
Comment: The p.Q286P variant (also known as c.857A>C), located in coding exon 10 of the FANCA gene, results from an A to C substitution at nucleotide position 857. The glutamine at codon 286 is replaced by proline, an amino acid with similar properties. This amino acid position is conserved. In addition, this alteration is predicted to be tolerated by in silico analysis. Based on the available evidence, the clinical significance of this variant remains unclear.